The following is an entry in ClinVar:

NM_001734.5(C1S):c.-56G>A

Gene: C1S (complement C1s; plus strand). Cytogenetic location: 12p13.31.
Variant type: single nucleotide variant.
Coding change: c.-56G>A on transcript NM_001734.5 (MANE Select); 56 bases upstream of the start codon, G replaced by A.
Molecular consequence: 5 prime UTR variant.
Genome position (GRCh38, 1-based): chr12:7,061,857, G>A. VCF-style: chr12-7061857-G-A. GRCh37 (hg19) VCF-style: chr12-7169161-G-A.
Other names: c.-349G>A (NM_001346850.2); c.-56G>A (NM_201442.4).
Identifiers: ClinVar variation 4687236 (VCV004687236.1).

ClinVar aggregate classification (germline): Uncertain significance (1 of 4 stars; one submission).

Submission:

Women's Health and Genetics/Laboratory Corporation of America, LabCorp
Classification: Uncertain significance. Last evaluated: 2025-10-16. Review status: criteria provided, single submitter. Criteria: LabCorp Variant Classification Summary - May 2015. Collection method: clinical testing. Allele origin: germline.
Comment: Variant summary: C1S c.-56G>A is located in the untranslated mRNA region upstream of the initiation codon in exon 2. Several computational tools predict a significant impact on normal splicing: Three predict the variant creates an exonic 5' donor site. However, these predictions have yet to be confirmed by functional studies. The variant was absent in 251262 control chromosomes (gnomAD). The available data on variant occurrences in the general population are insufficient to allow any conclusion about variant significance. To our knowledge, no occurrence of c.-56G>A in individuals affected with C1S-related conditions and no experimental evidence demonstrating its impact on protein function have been reported. No submitters have cited clinical-significance assessments for this variant to ClinVar. Based on the evidence outlined above, the variant was classified as uncertain significance.